The following is an entry in ClinVar:

NM_001283009.2(RTEL1):c.161G>A (p.Cys54Tyr)

Genes: RTEL1 (regulator of telomere elongation helicase 1; plus strand), RTEL1-TNFRSF6B (RTEL1-TNFRSF6B readthrough (NMD candidate); plus strand). Cytogenetic location: 20q13.33.
Variant type: single nucleotide variant.
Coding change: c.161G>A on transcript NM_001283009.2 (MANE Select); coding-DNA position 161, G replaced by A.
Protein change: p.Cys54Tyr; replaces cysteine 54 with tyrosine.
Molecular consequence: missense variant. On other transcripts: non-coding transcript variant (1), 5 prime UTR variant (1).
Genome position (GRCh38, 1-based): chr20:63,661,356, G>A. VCF-style: chr20-63661356-G-A. GRCh37 (hg19) VCF-style: chr20-62292709-G-A.
Other names: c.-509G>A (NM_001283010.1); c.161G>A, p.Cys54Tyr (NM_016434.4, NM_032957.5); short protein forms C54Y.
Identifiers: ClinVar variation 3435977 (VCV003435977.1).
Genomic context (GRCh38, chr20:63,661,356, plus strand): 5'-AGAAGGTGAATGGCATCCTGGAGAGCCCTACGGGTACAGGGAAGACGCTGTGCCTGCTGT[G>A]CACCACGCTGGCCTGGCGAGAACACCTCCGAGACGGCATCTCTGCCCGCAAGATTGCCGA-3'
Protein context (NP_001269938.1, residues 44-64): TGTGKTLCLL[Cys54Tyr]TTLAWREHLR

ClinVar aggregate classification (germline): Uncertain significance (1 of 4 stars; one submission).

Conditions:
Inborn genetic diseases. Identifiers: MedGen C0950123, MeSH D030342.

Submission:

Ambry Genetics
Classification: Uncertain significance for Inborn genetic diseases. Last evaluated: 2024-11-25. Review status: criteria provided, single submitter. Criteria: Ambry Variant Classification Scheme 2023. Collection method: clinical testing. Allele origin: germline.
Comment: The p.C54Y variant (also known as c.161G>A), located in coding exon 2 of the RTEL1 gene, results from a G to A substitution at nucleotide position 161. The cysteine at codon 54 is replaced by tyrosine, an amino acid with highly dissimilar properties. This amino acid position is conserved. In addition, this alteration is predicted to be deleterious by in silico analysis. Based on the available evidence, the clinical significance of this variant remains unclear.